The following is an entry in ClinVar:

NM_006623.4(PHGDH):c.1031G>A (p.Arg344Gln)

Gene: PHGDH (phosphoglycerate dehydrogenase; plus strand). Cytogenetic location: 1p12.
Variant type: single nucleotide variant.
Coding change: c.1031G>A on transcript NM_006623.4 (MANE Select); coding-DNA position 1031, G replaced by A.
Protein change: p.Arg344Gln; replaces arginine 344 with glutamine.
Molecular consequence: missense variant.
Genome position (GRCh38, 1-based): chr1:119,740,471, G>A. VCF-style: chr1-119740471-G-A. GRCh37 (hg19) VCF-style: chr1-120283094-G-A.
Other names: short protein forms R344Q.
Identifiers: ClinVar variation 2198299 (VCV002198299.1), dbSNP rs968948970, ClinGen allele CA30262495.

ClinVar aggregate classification (germline): Uncertain significance (1 of 4 stars; one submission).

Conditions:
PHGDH deficiency. Identifiers: Orphanet 79351, MedGen C1866174, MONDO:0011152, OMIM 601815.

Allele frequency attached by ClinVar (database versions not stated): gnomAD 0.00003; TOPMed 0.00003.
gnomAD v4.1: 38 of 1,604,316 alleles (0.0024%); highest among the groups gnomAD compares: Non-Finnish European, 0.0027%; no homozygotes.

Submission:

Labcorp Genetics (formerly Invitae), Labcorp
Classification: Uncertain significance for PHGDH deficiency. Last evaluated: 2022-10-13. Review status: criteria provided, single submitter. Criteria: Invitae Variant Classification Sherloc (09022015). Collection method: clinical testing. Allele origin: germline.
Comment: This sequence change replaces arginine, which is basic and polar, with glutamine, which is neutral and polar, at codon 344 of the PHGDH protein (p.Arg344Gln). This variant is present in population databases (no rsID available, gnomAD 0.004%). This variant has not been reported in the literature in individuals affected with PHGDH-related conditions. Algorithms developed to predict the effect of missense changes on protein structure and function output the following: SIFT: "Tolerated"; PolyPhen-2: "Benign"; Align-GVGD: "Class C0". The glutamine amino acid residue is found in multiple mammalian species, which suggests that this missense change does not adversely affect protein function. In summary, the available evidence is currently insufficient to determine the role of this variant in disease. Therefore, it has been classified as a Variant of Uncertain Significance.